The following is an entry in ClinVar:

ClinVar aggregate classification (germline): Likely pathogenic. Review status: criteria provided, multiple submitters, no conflicts (2 of 4 stars). 2 submissions from 2 submitters: Likely pathogenic (2). Last evaluated 2025-08-05.

Conditions:
CFTR-related disorder (CFTR-RD). Also called: CFTR-related disorders; CFTR-related condition. Identifiers: MedGen C5924204, MONDO:7770004.
Bronchiectasis with or without elevated sweat chloride 1 (BESC1). Also called: Cystic Fibrosis-Like Syndrome. Identifiers: Orphanet 60033, MedGen C2749757, MONDO:0008887, OMIM 211400.

Submissions (2):

Natera, Inc.
Classification: Likely pathogenic for CFTR-related disorders. Last evaluated: 2025-08-05. Review status: criteria provided, single submitter. Criteria: Natera Variant Classification Schema (03/2026). Collection method: clinical testing. Allele origin: germline.
Comment: The c.3330del variant in CFTR is a frameshift variant predicted to shift the reading frame beginning at codon 1111 and leads to a stop codon 10 codons downstream. This variant is expected to result in nonsense mediated decay, truncation, or a dysfunctional protein product. This variant is rare in the general population with a frequency below the threshold expected for the associated phenotype(s). Given the available evidence, this variant is classified as Likely Pathogenic.

Baylor Genetics
Classification: Likely pathogenic for Bronchiectasis with or without elevated sweat chloride 1. Last evaluated: 2023-02-15. Review status: criteria provided, single submitter. Criteria: ACMG Guidelines, 2015. Collection method: clinical testing. Allele origin: unknown.

NM_000492.4(CFTR):c.3330del (p.Phe1111fs)

Genes: CFTR (CF transmembrane conductance regulator; plus strand), CFTR-AS2 (CFTR antisense RNA 2; minus strand), LOC111674472 (DNase I hypersensitive sites in introns 16 and 17a of CFTR; plus strand). Cytogenetic location: 7q31.2.
Variant type: Deletion.
Coding change: c.3330del on transcript NM_000492.4 (MANE Select); coding-DNA position 3330, one base deleted (C; older notation c.3330delC).
Protein change: p.Phe1111fs; shifts the reading frame from phenylalanine 1111.
Molecular consequence: frameshift variant.
Genome position (GRCh38, 1-based): chr7:117,611,771, C deleted. VCF-style (leftmost placement, unchanged base first): chr7-117611770-TC-T. GRCh37 (hg19) VCF-style: chr7-117251824-TC-T.
Other names: c.3330del (NM_000492.3); short protein forms F1111fs.
Identifiers: ClinVar variation 2680715 (VCV002680715.2), dbSNP rs2485130591, ClinGen allele CA2695199628.